The following is an entry in ClinVar:

NM_022773.4(LMF1):c.1232+4T>G

Gene: LMF1 (lipase maturation factor 1; minus strand). Cytogenetic location: 16p13.3.
Variant type: single nucleotide variant.
Coding change: c.1232+4T>G on transcript NM_022773.4 (MANE Select); 4 bases into the intron after coding-DNA position 1232, T replaced by G.
Molecular consequence: intron variant.
Genome position (GRCh38, 1-based): chr16:870,725, A>C on the plus strand (T>G on the coding strand, the complement: LMF1 is on the minus strand). VCF-style: chr16-870725-A-C. GRCh37 (hg19) VCF-style: chr16-920725-A-C.
Other names: c.905+4T>G (NM_001352019.2); c.581+4T>G (NM_001352017.2, NM_001352021.2); c.833+4T>G (NM_001352018.2); c.1232+4T>G (NM_001352020.1).
Identifiers: ClinVar variation 4736945 (VCV004736945.2).

ClinVar aggregate classification (germline): Conflicting classifications of pathogenicity. Review status: criteria provided, conflicting classifications (1 of 4 stars). 2 submissions from 2 submitters: Uncertain significance (1); Likely benign (1). Last evaluated 2025-05-04.

gnomAD v4.1: 104 of 1,612,432 alleles (0.0064%); highest among the groups gnomAD compares: Non-Finnish European, 0.008%; no homozygotes.

Submissions (2):

Labcorp Genetics (formerly Invitae), Labcorp
Classification: Uncertain significance. Last evaluated: 2025-05-04. Review status: criteria provided, single submitter. Criteria: Invitae Variant Classification Sherloc (09022015). Collection method: clinical testing. Allele origin: germline.
Comment: This sequence change falls in intron 8 of the LMF1 gene. It does not directly change the encoded amino acid sequence of the LMF1 protein. It affects a nucleotide within the consensus splice site. This variant is present in population databases (rs761421444, gnomAD 0.01%). This variant has not been reported in the literature in individuals affected with LMF1-related conditions. Variants that disrupt the consensus splice site are a relatively common cause of aberrant splicing (PMID: 17576681, 9536098). Algorithms developed to predict the effect of sequence changes on RNA splicing suggest that this variant is not likely to affect RNA splicing. In summary, the available evidence is currently insufficient to determine the role of this variant in disease. Therefore, it has been classified as a Variant of Uncertain Significance.

Blueprint Genetics
Classification: Likely benign. Last evaluated: 2024-11-18. Review status: criteria provided, single submitter. Criteria: ACMG Guidelines, 2015. Collection method: clinical testing. Allele origin: germline.

Literature cited by the submitters: PubMed 17576681 (cited by Labcorp Genetics (formerly Invitae), Labcorp); PubMed 9536098 (cited by Labcorp Genetics (formerly Invitae), Labcorp).